The following is an entry in ClinVar:

NM_005267.5(GJA8):c.200A>G (p.Asp67Gly)

Gene: GJA8 (gap junction protein alpha 8; plus strand). Cytogenetic location: 1q21.2.
Variant type: single nucleotide variant.
Coding change: c.200A>G on transcript NM_005267.5 (MANE Select); coding-DNA position 200, A replaced by G.
Protein change: p.Asp67Gly; replaces aspartic acid 67 with glycine.
Molecular consequence: missense variant.
Genome position (GRCh38, 1-based): chr1:147,908,155, A>G. VCF-style: chr1-147908155-A-G. GRCh37 (hg19) VCF-style: chr1-147380282-A-G.
Other names: short protein forms D67G.
Identifiers: ClinVar variation 1403025 (VCV001403025.12), dbSNP rs2149015482, ClinGen allele CA342223504.
Genomic context (GRCh38, chr1:147,908,155, plus strand): 5'-ATGAGCAATCCGACTTCGTGTGCAACACCCAGCAGCCTGGCTGCGAGAACGTCTGCTACG[A>G]CGAGGCCTTTCCCATCTCCCACATTCGCCTCTGGGTGCTGCAGATCATCTTCGTCTCCAC-3'
Protein context (NP_005258.2, residues 57-77): QQPGCENVCY[Asp67Gly]EAFPISHIRL

ClinVar aggregate classification (germline): Conflicting classifications of pathogenicity. Review status: criteria provided, conflicting classifications (1 of 4 stars). 3 submissions from 3 submitters: Pathogenic (1); Likely pathogenic (1); Uncertain significance (1). Last evaluated 2025-02-18.

Conditions:
Cataract 1 multiple types. Also called: CATARACT 1, MULTIPLE TYPES, WITH OR WITHOUT MICROCORNEA; CATARACT 1, NUCLEAR PROGRESSIVE; CATARACT 1 WITH MICROCORNEA; CATARACT 1, POSTERIOR SUBCAPSULAR, WITH MICROCORNEA; CATARACT 1, STELLATE NUCLEAR, WITH MICROCORNEA; CATARACT, DUFFY-LINKED. Identifiers: Orphanet 1377, MedGen C1861828, MONDO:0007285, OMIM 116200.

gnomAD v4.1: 1 of 1,614,204 alleles (0.000062%); highest among the groups gnomAD compares: Non-Finnish European, 0.000085%; no homozygotes.

Submissions (3):

Molecular Genetics of Human Eye Development, Oxford Brookes University
Classification: Pathogenic for Cataract 1 multiple types. Last evaluated: 2025-02-18. Review status: criteria provided, single submitter. Criteria: ACMG Guidelines, 2015. Collection method: clinical testing. Allele origin: unknown. Affected: yes. Observed: 1 variant allele.
Comment: The GJA8 c.200A>G; The variant is present in one individual in the gnomAD v4.1 population dataset (1/1614204). Further analysis suggest that the variant is present in an individual from the UK biobank dataset, a databse with individuals who could have unknown health conditions. As such, the variant is still rare. The variant has been previously reported in patients with congential eye anomalies (PMID: 23508780). The variant is classified pathogenic using PS1, PM1, PP3.

Dept. Genetics and Cancer, Menzies Institute for Medical Research, University of Tasmania
Classification: Uncertain significance for Cataract 1 multiple types. Last evaluated: 2023-01-21. Review status: criteria provided, single submitter. Criteria: ACMG Guidelines, 2015. Collection method: curation. Allele origin: germline. Affected: yes.
Comment: Variant identified and curated during a GJA8 specific review of the literature in relation to pediatric or congenital cataract. ACMG-AMP criteria applied: PM1(Supporting), PM2(Supporting), PP3. Original variant report: PMID:23508780. Additional phenotype/s reported in these individual/s are: glaucoma. Gene review and curation guidelines are outlined in: DOI 10.1080/17469899.2023.2160320

Labcorp Genetics (formerly Invitae), Labcorp
Classification: Likely pathogenic for Cataract 1 multiple types. Last evaluated: 2022-12-22. Review status: criteria provided, single submitter. Criteria: Invitae Variant Classification Sherloc (09022015). Collection method: clinical testing. Allele origin: germline.
Comment: ClinVar contains an entry for this variant (Variation ID: 1403025). In summary, the currently available evidence indicates that the variant is pathogenic, but additional data are needed to prove that conclusively. Therefore, this variant has been classified as Likely Pathogenic. This variant disrupts the p.Asp67 amino acid residue in GJA8. Other variant(s) that disrupt this residue have been observed in individuals with GJA8-related conditions (Invitae), which suggests that this may be a clinically significant amino acid residue. Advanced modeling of protein sequence and biophysical properties (such as structural, functional, and spatial information, amino acid conservation, physicochemical variation, residue mobility, and thermodynamic stability) performed at Invitae indicates that this missense variant is expected to disrupt GJA8 protein function. This missense change has been observed in individuals with autosomal dominant congenital cataracts (PMID: 23508780; Invitae). This variant is not present in population databases (gnomAD no frequency). This sequence change replaces aspartic acid, which is acidic and polar, with glycine, which is neutral and non-polar, at codon 67 of the GJA8 protein (p.Asp67Gly).

Literature cited by the submitters: PubMed 23508780 (cited by 3 submitters).